The following is an entry in ClinVar:

NM_005826.5(HNRNPR):c.1556G>T (p.Gly519Val)

Gene: HNRNPR (heterogeneous nuclear ribonucleoprotein R; minus strand). Cytogenetic location: 1p36.12.
Variant type: single nucleotide variant.
Coding change: c.1556G>T on transcript NM_005826.5 (MANE Select); coding-DNA position 1556, G replaced by T.
Protein change: p.Gly519Val; replaces glycine 519 with valine.
Molecular consequence: missense variant.
Genome position (GRCh38, 1-based): chr1:23,310,800, C>A on the plus strand (G>T on the coding strand, the complement: HNRNPR is on the minus strand). VCF-style: chr1-23310800-C-A. GRCh37 (hg19) VCF-style: chr1-23637293-C-A.
Other names: c.1253G>T, p.Gly418Val (NM_001102397.3); c.1565G>T, p.Gly522Val (NM_001102398.3); c.1262G>T, p.Gly421Val (NM_001102399.3); c.1442G>T, p.Gly481Val (NM_001297620.2); c.1076G>T, p.Gly359Val (NM_001297621.2); c.1139G>T, p.Gly380Val (NM_001297622.2); c.1379G>T, p.Gly460Val (NM_001437727.1); c.1556G>T, p.Gly519Val (NM_001438564.1); short protein forms G359V, G380V, G418V, G421V, G460V, G481V, G519V, G522V.
Identifiers: ClinVar variation 4851392 (VCV004851392.1).

ClinVar aggregate classification (germline): Likely benign (1 of 4 stars; one submission).

Conditions:
Neurodevelopmental disorder with dysmorphic facies and skeletal and brain abnormalities (NEDDFSB). Identifiers: Orphanet 662189, MedGen C5774231, MONDO:0859297, OMIM 620073.

gnomAD v4.1: 1 of 1,614,074 alleles (0.000062%); highest among the groups gnomAD compares: Non-Finnish European, 0.000085%; no homozygotes.

Submission:

Centre for Medical Genetics,  Mumbai
Classification: Likely benign for Neurodevelopmental disorder with dysmorphic facies and skeletal and brain abnormalities. Last evaluated: 2026-04-17. Review status: criteria provided, single submitter. Criteria: ACMG Guidelines, 2015. Collection method: provider interpretation. Allele origin: germline. Inheritance: Autosomal dominant inheritance. Affected: no. Observed: 1 variant allele, 1 heterozygote.
Comment: The variant satisfies PM2 criteria - extremely low frequency in gnomAD population databases. The variant satisfies PP2 criteria - missense variant in a gene with low rate of benign missense mutations and for which missense mutation is a common mechanism of a disease. However, the variant satisfies BS2 criteria - present in heterozygous state in an individual that clinically does not have neurodevelopmental disorder with dysmorphic facies and skeletal and brain abnormalities.

Literature cited by the submitters: PubMed 31079900.